The following is an entry in ClinVar:

NM_000051.4(ATM):c.1473_1474dup (p.Phe492fs)

Gene: ATM (ATM serine/threonine kinase; plus strand). Cytogenetic location: 11q22.3.
Variant type: Duplication.
Coding change: c.1473_1474dup on transcript NM_000051.4 (MANE Select); coding-DNA positions 1473 to 1474, 2 bases duplicated (CT; older notation c.1473_1474dupCT).
Protein change: p.Phe492fs; shifts the reading frame from phenylalanine 492.
Molecular consequence: frameshift variant.
Genome position (GRCh38, 1-based): chr11:108,250,938-108,250,939, CT duplicated. VCF-style (leftmost placement, unchanged base first): chr11-108250937-C-CCT. GRCh37 (hg19) VCF-style: chr11-108121664-C-CCT.
Other names: c.1473_1474dup, p.Phe492fs (NM_001351834.2); short protein forms F492fs.
Identifiers: ClinVar variation 3598930 (VCV003598930.2).

ClinVar aggregate classification (germline): Pathogenic. Review status: criteria provided, multiple submitters, no conflicts (2 of 4 stars). 2 submissions from 2 submitters: Pathogenic (2). Last evaluated 2025-05-11.

Conditions:
Ataxia-telangiectasia syndrome (AT). Also called: Cerebello-oculocutaneous telangiectasia; Immunodeficiency with ataxia telangiectasia; Ataxia-telangiectasia, complementation group D; AT, COMPLEMENTATION GROUP C; Ataxia-telangiectasia; Ataxia-telangiectasia, complementation group E. Identifiers: Orphanet 100, MedGen C0004135, MONDO:0008840, OMIM 208900.
Familial cancer of breast. Also called: Hereditary breast cancer; BREAST CANCER, FAMILIAL; hereditary breast carcinoma. Identifiers: Orphanet 227535, MedGen C0346153, MONDO:0016419, OMIM 114480. Disease mechanism: loss of function.

Submissions (2):

Labcorp Genetics (formerly Invitae), Labcorp
Classification: Pathogenic for Ataxia-telangiectasia syndrome. Last evaluated: 2025-05-11. Review status: criteria provided, single submitter. Criteria: Invitae Variant Classification Sherloc (09022015). Collection method: clinical testing. Allele origin: germline.
Comment: This sequence change creates a premature translational stop signal (p.Phe492Serfs*5) in the ATM gene. It is expected to result in an absent or disrupted protein product. Loss-of-function variants in ATM are known to be pathogenic (PMID: 23807571, 25614872). This variant is not present in population databases (gnomAD no frequency). This variant has not been reported in the literature in individuals affected with ATM-related conditions. ClinVar contains an entry for this variant (Variation ID: 3598930). For these reasons, this variant has been classified as Pathogenic.

Fulgent Genetics
Classification: Pathogenic for Familial cancer of breast; Ataxia-telangiectasia syndrome. Last evaluated: 2024-06-12. Review status: criteria provided, single submitter. Criteria: ACMG Guidelines, 2015. Collection method: clinical testing. Allele origin: germline.

Literature cited by the submitters: PubMed 23807571 (cited by Labcorp Genetics (formerly Invitae), Labcorp); PubMed 25614872 (cited by Labcorp Genetics (formerly Invitae), Labcorp).